The following is an entry in ClinVar:

ClinVar aggregate classification (germline): Uncertain significance (1 of 4 stars; one submission).

Conditions:
Inborn genetic diseases. Identifiers: MedGen C0950123, MeSH D030342.

Submission:

Ambry Genetics
Classification: Uncertain significance for Inborn genetic diseases. Last evaluated: 2025-03-20. Review status: criteria provided, single submitter. Criteria: Ambry Variant Classification Scheme 2023. Collection method: clinical testing. Allele origin: germline.
Comment: The p.I82T variant (also known as c.245T>C), located in coding exon 3 of the ETV6 gene, results from a T to C substitution at nucleotide position 245. The isoleucine at codon 82 is replaced by threonine, an amino acid with similar properties. This amino acid position is highly conserved in available vertebrate species. In addition, the in silico prediction for this alteration is inconclusive. Based on the available evidence, the clinical significance of this variant remains unclear.

NM_001987.5(ETV6):c.245T>C (p.Ile82Thr)

Genes: ETV6 (ETS variant transcription factor 6; plus strand), LOC126861451 (BRD4-independent group 4 enhancer GRCh37_chr12:11991350-11992549; plus strand). Cytogenetic location: 12p13.2.
Variant type: single nucleotide variant.
Coding change: c.245T>C on transcript NM_001987.5 (MANE Select); coding-DNA position 245, T replaced by C.
Protein change: p.Ile82Thr; replaces isoleucine 82 with threonine.
Molecular consequence: missense variant. On other transcripts: 5 prime UTR variant (1).
Genome position (GRCh38, 1-based): chr12:11,839,221, T>C. VCF-style: chr12-11839221-T-C. GRCh37 (hg19) VCF-style: chr12-11992155-T-C.
Other names: c.242T>C, p.Ile81Thr (NM_001413913.1); c.218T>C, p.Ile73Thr (NM_001413914.1); c.-20T>C (NM_001413915.1); c.245T>C, p.Ile82Thr (NM_001413916.1, NM_001413917.1, NM_001413918.1); short protein forms I73T, I81T, I82T.
Identifiers: ClinVar variation 4020034 (VCV004020034.1).